The following is an entry in ClinVar:

ClinVar aggregate classification (germline): Likely benign. Review status: criteria provided, multiple submitters, no conflicts (2 of 4 stars). 2 submissions from 2 submitters: Likely benign (2). Last evaluated 2022-08-01.

Conditions:
Autosomal recessive severe congenital neutropenia due to JAGN1 deficiency. Also called: Severe congenital neutropenia 6, autosomal recessive. Identifiers: Orphanet 423384, MedGen C4014954, MONDO:0014456, OMIM 616022.

Allele frequency attached by ClinVar (database versions not stated): gnomAD exomes below 0.00001.
gnomAD v4.1: 5 of 1,609,796 alleles (0.00031%); highest among the groups gnomAD compares: Non-Finnish European, 0.00042%; no homozygotes.

Submissions (2):

CeGaT Center for Human Genetics Tuebingen
Classification: Likely benign. Last evaluated: 2022-08-01. Review status: criteria provided, single submitter. Criteria: CeGaT Center For Human Genetics Tuebingen Variant Classification Criteria Version 2. Collection method: clinical testing. Allele origin: germline. Affected: yes. Observed: 1 variant allele.
Comment: JAGN1: PM2:Supporting, BP4, BP7

Labcorp Genetics (formerly Invitae), Labcorp
Classification: Likely benign for Autosomal recessive severe congenital neutropenia due to JAGN1 deficiency. Last evaluated: 2019-06-19. Review status: criteria provided, single submitter. Criteria: Invitae Variant Classification Sherloc (09022015). Collection method: clinical testing. Allele origin: germline.

NM_032492.4(JAGN1):c.57C>T (p.His19=)

Gene: JAGN1 (jagunal vesicle mediated transporter 1; plus strand). Cytogenetic location: 3p25.3.
Variant type: single nucleotide variant.
Coding change: c.57C>T on transcript NM_032492.4 (MANE Select); coding-DNA position 57, C replaced by T.
Protein change: p.His19=; no amino-acid change (histidine 19 retained).
Molecular consequence: synonymous variant. On other transcripts: 5 prime UTR variant (1).
Genome position (GRCh38, 1-based): chr3:9,890,779, C>T. VCF-style: chr3-9890779-C-T. GRCh37 (hg19) VCF-style: chr3-9932463-C-T.
Other names: c.-212C>T (NM_001363890.1).
Identifiers: ClinVar variation 1132895 (VCV001132895.37), dbSNP rs2082556963, ClinGen allele CA432386332.
Genomic context (GRCh38, chr3:9,890,779, plus strand): 5'-CACAATGGCGTCTCGAGCAGGCCCGCGAGCGGCCGGCACCGACGGCAGCGACTTTCAGCA[C>T]CGGGAGCGCGTCGCCATGCACTACCAGATGAGGTATGAAGTGAGGCGAGGAGCACGGAGG-3'
Protein context (NP_115881.3, residues 9-29): AAGTDGSDFQ[His19=]RERVAMHYQM